The following is an entry in ClinVar:

ClinVar aggregate classification (germline): Uncertain significance (1 of 4 stars; one submission).

Conditions:
TBX3-related disorder. Also called: TBX3-related condition.

Submission:

PreventionGenetics, part of Exact Sciences
Classification: Uncertain significance for TBX3-related condition. Last evaluated: 2025-02-06. Review status: criteria provided, single submitter. Criteria: ACMG Guidelines, 2015. Collection method: clinical testing. Allele origin: germline.
Comment: The TBX3 c.1390C>T variant is predicted to result in the amino acid substitution p.Pro464Ser. To our knowledge, this variant has not been reported in the literature or in a large population database (gnomAD), indicating this variant is rare. At this time, the clinical significance of this variant is uncertain due to the absence of conclusive functional and genetic evidence.

NM_005996.4(TBX3):c.1330C>T (p.Pro444Ser)

Gene: TBX3 (T-box transcription factor 3; minus strand). Cytogenetic location: 12q24.21.
Variant type: single nucleotide variant.
Coding change: c.1330C>T on transcript NM_005996.4 (MANE Select); coding-DNA position 1330, C replaced by T.
Protein change: p.Pro444Ser; replaces proline 444 with serine.
Molecular consequence: missense variant.
Genome position (GRCh38, 1-based): chr12:114,674,545, G>A on the plus strand (C>T on the coding strand, the complement: TBX3 is on the minus strand). VCF-style: chr12-114674545-G-A. GRCh37 (hg19) VCF-style: chr12-115112350-G-A.
Other names: c.1390C>T, p.Pro464Ser (NM_016569.4); short protein forms P444S, P464S.
Identifiers: ClinVar variation 5001589 (VCV005001589.1).
Genomic context (GRCh38, chr12:114,674,545, plus strand): 5'-CCGTGAGCGGCGCGAAGGCCTCCTTGCCCGGGAGCGCGCGCGCCTCTTCCACCTTGGCCG[G>A]CGCTGTGCCCTCGCGAACCGGGCTCCTGCGCTCCTCCGCGCCCAGGCCGCGAGTGCTGGA-3'
Protein context (NP_005987.3, residues 434-454): RRSPVREGTA[Pro444Ser]AKVEEARALP